The following is an entry in ClinVar:

ClinVar aggregate classification (germline): Conflicting classifications of pathogenicity. Review status: criteria provided, conflicting classifications (1 of 4 stars). 4 submissions from 4 submitters: Uncertain significance (2); Likely benign (2). Last evaluated 2025-12-11.

Conditions:
Primary ciliary dyskinesia. Also called: Ciliary dyskinesia. Identifiers: Orphanet 244, MedGen C0008780, MONDO:0016575, HP:0012265.

Allele frequency attached by ClinVar (database versions not stated): gnomAD 0.00004 and 0.00008; TOPMed 0.00022; 1000 Genomes Project 0.00040; 1000 Genomes Project 30x 0.00047.

Submissions (4):

Labcorp Genetics (formerly Invitae), Labcorp
Classification: Likely benign for Primary ciliary dyskinesia. Last evaluated: 2025-12-11. Review status: criteria provided, single submitter. Criteria: Invitae Variant Classification Sherloc (09022015). Collection method: clinical testing. Allele origin: germline.

Blueprint Genetics
Classification: Uncertain significance. Last evaluated: 2024-10-02. Review status: criteria provided, single submitter. Criteria: ACMG Guidelines, 2015. Collection method: clinical testing. Allele origin: germline.

Women's Health and Genetics/Laboratory Corporation of America, LabCorp
Classification: Uncertain significance. Last evaluated: 2024-04-22. Review status: criteria provided, single submitter. Criteria: LabCorp Variant Classification Summary - May 2015. Collection method: clinical testing. Allele origin: germline.
Comment: Variant summary: DNAH11 c.6143C>G (p.Thr2048Arg) results in a non-conservative amino acid change located in the Dynein heavy chain, hydrolytic ATP-binding dynein motor region (IPR035699) of the encoded protein sequence. Two of three in-silico tools predict a benign effect of the variant on protein function. The variant allele was found at a frequency of 0.00018 in 249006 control chromosomes. c.6143C>G has been reported in the literature in an individual affected with Primary Ciliary Dyskinesia 7 (Zhu_2020), however, not all the evidence was avialalbe for further analysis (Guan_2021). These data do not allow any conclusion about variant significance. To our knowledge, no experimental evidence demonstrating an impact on protein function has been reported. The following publications have been ascertained in the context of this evaluation (PMID: 33577779, 33240318). ClinVar contains an entry for this variant (Variation ID: 416415). Based on the evidence outlined above, the variant was classified as uncertain significance.

Ambry Genetics
Classification: Likely benign for Primary ciliary dyskinesia. Last evaluated: 2022-06-30. Review status: criteria provided, single submitter. Criteria: Ambry Variant Classification Scheme 2023. Collection method: clinical testing. Allele origin: germline.

Literature cited by the submitters: PubMed 33240318 (cited by Women's Health and Genetics/Laboratory Corporation of America, LabCorp and Ambry Genetics); PubMed 33577779 (cited by Women's Health and Genetics/Laboratory Corporation of America, LabCorp).

NM_001277115.2(DNAH11):c.6143C>G (p.Thr2048Arg)

Gene: DNAH11 (dynein axonemal heavy chain 11; plus strand). Cytogenetic location: 7p15.3.
Variant type: single nucleotide variant.
Coding change: c.6143C>G on transcript NM_001277115.2 (MANE Select); coding-DNA position 6143, C replaced by G.
Protein change: p.Thr2048Arg; replaces threonine 2048 with arginine.
Molecular consequence: missense variant.
Genome position (GRCh38, 1-based): chr7:21,698,176, C>G. VCF-style: chr7-21698176-C-G. GRCh37 (hg19) VCF-style: chr7-21737794-C-G.
Other names: short protein forms T2048R.
Identifiers: ClinVar variation 416415 (VCV000416415.14), dbSNP rs184241449, ClinGen allele CA4180697.